The following is an entry in ClinVar:

NM_001161352.2(KCNMA1):c.2400C>G (p.Asp800Glu)

Genes: KCNMA1 (potassium calcium-activated channel subfamily M alpha 1; minus strand), KCNMA1-AS1 (KCNMA1 antisense RNA 1; plus strand). Cytogenetic location: 10q22.3.
Variant type: single nucleotide variant.
Coding change: c.2400C>G on transcript NM_001161352.2 (MANE Select); coding-DNA position 2400, C replaced by G.
Protein change: p.Asp800Glu; replaces aspartic acid 800 with glutamic acid.
Molecular consequence: missense variant.
Genome position (GRCh38, 1-based): chr10:76,953,885, G>C on the plus strand (C>G on the coding strand, the complement: KCNMA1 is on the minus strand). VCF-style: chr10-76953885-G-C. GRCh37 (hg19) VCF-style: chr10-78713643-G-C.
Other names: c.2238C>G, p.Asp746Glu (NM_001014797.3, NM_001322835.2, NM_001322837.2); c.2226C>G, p.Asp742Glu (NM_001161353.2, NM_001322832.2, NM_002247.4); c.2076C>G, p.Asp692Glu (NM_001271518.2); c.2235C>G, p.Asp745Glu (NM_001271519.2, NM_001322829.2, NM_001322836.2); c.2247C>G, p.Asp749Glu (NM_001322830.2); c.1773C>G, p.Asp591Glu (NM_001322838.2); short protein forms D742E, D591E, D692E, D749E, D800E, D745E, D746E.
Identifiers: ClinVar variation 1508465 (VCV001508465.8), dbSNP rs2152988719, ClinGen allele CA377407723.

ClinVar aggregate classification (germline): Uncertain significance (1 of 4 stars; one submission).

Conditions:
Generalized epilepsy-paroxysmal dyskinesia syndrome (PNKD3). Also called: Generalized epilepsy and paroxysmal dyskinesia; Paroxysmal nonkinesigenic dyskinesia, 3, with or without generalized epilepsy. Identifiers: Orphanet 79137, MedGen C5574945, MONDO:0012276, OMIM 609446.

gnomAD v4.1: 1 of 1,613,928 alleles (0.000062%); highest among the groups gnomAD compares: Non-Finnish European, 0.000085%; no homozygotes.

Submission:

Labcorp Genetics (formerly Invitae), Labcorp
Classification: Uncertain significance for Generalized epilepsy-paroxysmal dyskinesia syndrome. Last evaluated: 2021-02-08. Review status: criteria provided, single submitter. Criteria: Invitae Variant Classification Sherloc (09022015). Collection method: clinical testing. Allele origin: germline.
Comment: In summary, the available evidence is currently insufficient to determine the role of this variant in disease. Therefore, it has been classified as a Variant of Uncertain Significance. Algorithms developed to predict the effect of missense changes on protein structure and function (SIFT, PolyPhen-2, Align-GVGD) all suggest that this variant is likely to be tolerated, but these predictions have not been confirmed by published functional studies and their clinical significance is uncertain. This variant has not been reported in the literature in individuals with KCNMA1-related conditions. This variant is not present in population databases (ExAC no frequency). This sequence change replaces aspartic acid with glutamic acid at codon 742 of the KCNMA1 protein (p.Asp742Glu). The aspartic acid residue is moderately conserved and there is a small physicochemical difference between aspartic acid and glutamic acid.